The following is an entry in ClinVar:

NM_000531.6(OTC):c.78G>A (p.Arg26=)

Gene: OTC (ornithine transcarbamylase; plus strand). Cytogenetic location: Xp11.4.
Variant type: single nucleotide variant.
Coding change: c.78G>A on transcript NM_000531.6 (MANE Select); coding-DNA position 78, G replaced by A.
Protein change: p.Arg26=; no amino-acid change (arginine 26 retained).
Molecular consequence: synonymous variant.
Genome position (GRCh38, 1-based): chrX:38,367,291, G>A. VCF-style: chrX-38367291-G-A. GRCh37 (hg19) VCF-style: chrX-38226544-G-A.
Other names: c.78G>A, p.Arg26= (NM_001407092.1).
Identifiers: ClinVar variation 3045533 (VCV003045533.5), dbSNP rs141273695, ClinGen allele CA10385783.

ClinVar aggregate classification (germline): Conflicting classifications of pathogenicity. Review status: criteria provided, conflicting classifications (1 of 4 stars). 4 submissions from 4 submitters: Uncertain significance (1); Likely benign (2). 1 of the submissions does not count toward it. Last evaluated 2025-08-20.

Conditions:
OTC-related disorder. Also called: OTC-related condition.
Inborn genetic diseases. Identifiers: MedGen C0950123, MeSH D030342.
Ornithine carbamoyltransferase deficiency (OTCD). Also called: OTC DEFICIENCY; ORNITHINE TRANSCARBAMYLASE DEFICIENCY; ORNITHINE TRANSCARBAMYLASE DEFICIENCY, HYPERAMMONEMIA DUE TO; Ornithine Carbamoyltransferase Deficiency Disease. Identifiers: Orphanet 664, MedGen C0268542, MONDO:0010703, OMIM 311250.

Allele frequency attached by ClinVar (database versions not stated): ExAC 0.00003; TOPMed 0.00005; ESP Exome Variant Server 0.00009.
gnomAD v4.1: 6 of 1,202,878 alleles (0.0005%); highest among the groups gnomAD compares: African/African-American, 0.0088%; no homozygotes.

Submissions (4):

Ambry Genetics
Classification: Likely benign for Inborn genetic diseases. Last evaluated: 2025-08-20. Review status: criteria provided, single submitter. Criteria: Ambry Variant Classification Scheme 2023. Collection method: clinical testing. Allele origin: germline.

All of Us Research Program, National Institutes of Health
Classification: Likely benign for Ornithine carbamoyltransferase deficiency. Last evaluated: 2024-07-10. Review status: criteria provided, single submitter. Criteria: ACMG Guidelines, 2015. Collection method: clinical testing. Allele origin: germline. Inheritance: X-linked inheritance. Observed: 1 variant allele, 1 heterozygote.
Comment: This study involves interpretation of variants in research participants for the purpose of population health screening. Participant phenotype was not available at the time of variant classification. Additional details can be found in publication PMID: 35346344, PMCID: PMC8962531

Labcorp Genetics (formerly Invitae), Labcorp
Classification: Uncertain significance for Ornithine carbamoyltransferase deficiency. Last evaluated: 2024-02-25. Review status: criteria provided, single submitter. Criteria: Invitae Variant Classification Sherloc (09022015). Collection method: clinical testing. Allele origin: germline.
Comment: This sequence change affects codon 26 of the OTC mRNA. It is a 'silent' change, meaning that it does not change the encoded amino acid sequence of the OTC protein. It affects a nucleotide within the consensus splice site. This variant is present in population databases (rs141273695, gnomAD 0.01%). This variant has not been reported in the literature in individuals affected with OTC-related conditions. Algorithms developed to predict the effect of sequence changes on RNA splicing suggest that this variant is not likely to affect RNA splicing. In summary, the available evidence is currently insufficient to determine the role of this variant in disease. Therefore, it has been classified as a Variant of Uncertain Significance.

PreventionGenetics, part of Exact Sciences
Classification: Likely benign for OTC-related condition. Last evaluated: 2023-06-06. Review status: no assertion criteria provided. Collection method: clinical testing. Allele origin: germline. Not counted in ClinVar's aggregate classification.
Comment: This variant is classified as likely benign based on ACMG/AMP sequence variant interpretation guidelines (Richards et al. 2015 PMID: 25741868, with internal and published modifications).